The following is an entry in ClinVar:

ClinVar aggregate classification (germline): Pathogenic (1 of 4 stars; one submission).

Submission:

Athena Diagnostics
Classification: Pathogenic. Last evaluated: 2019-08-15. Review status: criteria provided, single submitter. Criteria: Athena Diagnostics Criteria. Collection method: clinical testing. Allele origin: germline.
Comment: The variant results in a shift of the reading frame, and is therefore predicted to result in the loss of a functional protein. Found in at least one symptomatic patient, and not found in general population data.

NM_006516.4(SLC2A1):c.315del (p.Ser106fs)

Gene: SLC2A1 (solute carrier family 2 member 1; minus strand). Cytogenetic location: 1p34.2.
Variant type: Deletion.
Coding change: c.315del on transcript NM_006516.4 (MANE Select); coding-DNA position 315, one base deleted (G; older notation c.315delG).
Protein change: p.Ser106fs; shifts the reading frame from serine 106.
Molecular consequence: frameshift variant.
Genome position (GRCh38, 1-based): chr1:42,930,827, C deleted on the plus strand (G on the coding strand, the reverse complement: SLC2A1 is on the minus strand). VCF-style (leftmost placement, unchanged base first): chr1-42930826-AC-A. GRCh37 (hg19) VCF-style: chr1-43396497-AC-A.
Other names: short protein forms S106fs.
Identifiers: ClinVar variation 805476 (VCV000805476.1), dbSNP rs1570593595, ClinGen allele CA915941233.